The following is an entry in ClinVar:

ClinVar aggregate classification (germline): Pathogenic. Review status: reviewed by expert panel (3 of 4 stars). 5 submissions from 5 submitters: Pathogenic (1). 4 of the submissions do not count toward it. Last evaluated 2016-09-08.

Conditions:
Hereditary cancer-predisposing syndrome. Also called: Tumor predisposition; Hereditary Cancer Syndrome; Hereditary neoplastic syndrome; Neoplastic Syndromes, Hereditary. Identifiers: Orphanet 140162, MedGen C0027672, MeSH D009386, MONDO:0015356.
Hereditary breast ovarian cancer syndrome. Also called: Breast and ovarian cancer; Hereditary breast and ovarian cancer syndrome; Hereditary breast and ovarian cancer; BRCA1- and BRCA2-Associated Hereditary Breast and Ovarian Cancer; Hereditary breast and ovarian cancer syndrome (HBOC); Hereditary breast and/or ovarian cancer syndrome. Identifiers: Orphanet 145, MedGen C0677776, MeSH D061325, MONDO:0003582. Disease mechanism: loss of function.
Breast-ovarian cancer, familial, susceptibility to, 2 (BROVCA2). Also called: BRCA2 Hereditary Breast and Ovarian Cancer. Identifiers: Orphanet 145, MedGen C2675520, MONDO:0012933, OMIM 612555. Disease mechanism: loss of function.
Familial cancer of breast. Also called: BREAST CANCER, FAMILIAL; hereditary breast carcinoma; Hereditary breast cancer. Identifiers: Orphanet 227535, MedGen C0346153, MONDO:0016419, OMIM 114480. Disease mechanism: loss of function.

Allele frequency attached by ClinVar (database versions not stated): TOPMed below 0.00001; gnomAD 0.00001.

Submissions (5):

Evidence-based Network for the Interpretation of Germline Mutant Alleles (ENIGMA)
Classification: Pathogenic for Breast-ovarian cancer, familial, susceptibility to, 2. Last evaluated: 2016-09-08. Review status: reviewed by expert panel. Criteria: ENIGMA BRCA1/2 Classification Criteria (2015). Collection method: curation. Allele origin: germline.
Comment: Variant allele predicted to encode a truncated non-functional protein.

Ambry Genetics
Classification: Pathogenic for Hereditary cancer-predisposing syndrome. Last evaluated: 2023-08-08. Review status: criteria provided, single submitter. Criteria: Ambry Variant Classification Scheme 2023. Collection method: clinical testing. Allele origin: germline. Not counted in ClinVar's aggregate classification.
Comment: The c.3820_3823delAAGA pathogenic mutation, located in coding exon 10 of the BRCA2 gene, results from a deletion of 4 nucleotides at nucleotide positions 3820 to 3823, causing a translational frameshift with a predicted alternate stop codon (p.K1274*). This alteration is expected to result in loss of function by premature protein truncation or nonsense-mediated mRNA decay. As such, this alteration is interpreted as a disease-causing mutation.

Color Diagnostics, LLC DBA Color Health
Classification: Pathogenic for Hereditary cancer-predisposing syndrome. Last evaluated: 2022-01-24. Review status: criteria provided, single submitter. Criteria: ACMG Guidelines, 2015. Collection method: clinical testing. Allele origin: germline. Not counted in ClinVar's aggregate classification.
Comment: This variant deletes 4 nucleotides in exon 11 of the BRCA2 gene, creating a frameshift and premature translation stop signal. This variant is expected to result in an absent or non-functional protein product. To our knowledge, this variant has not been reported in individuals affected with hereditary cancer in the literature. This variant has not been identified in the general population by the Genome Aggregation Database (gnomAD). Loss of BRCA2 function is a known mechanism of disease. Based on the available evidence, this variant is classified as Pathogenic.

Labcorp Genetics (formerly Invitae), Labcorp
Classification: Pathogenic for Hereditary breast ovarian cancer syndrome. Last evaluated: 2021-10-02. Review status: criteria provided, single submitter. Criteria: Invitae Variant Classification Sherloc (09022015). Collection method: clinical testing. Allele origin: germline. Not counted in ClinVar's aggregate classification.
Comment: This sequence change creates a premature translational stop signal (p.Lys1274*) in the BRCA2 gene. It is expected to result in an absent or disrupted protein product. Loss-of-function variants in BRCA2 are known to be pathogenic (PMID: 20104584). This variant is not present in population databases (ExAC no frequency). This premature translational stop signal has been observed in individual(s) with clinical features of BRCA2-related conditions (PMID: 21520333). ClinVar contains an entry for this variant (Variation ID: 182327). For these reasons, this variant has been classified as Pathogenic.

GeneDx
Classification: Pathogenic for Familial cancer of breast. Last evaluated: 2014-05-27. Review status: criteria provided, single submitter. Criteria: GeneDx Variant Classification (06012015). Collection method: clinical testing. Allele origin: germline. Affected: yes. Not counted in ClinVar's aggregate classification.
Comment: c.3820_3823delAAGA: p.Lys1274Stop in exon 11 in the BRCA2 gene (NM_000059.3). The normal sequence with the bases that are deleted in braces is: GTTT{AAGA}TAGA. The c.3820_3823delAAGA variant in the BRCA2 gene has not been published previously, to our knowledge. Frameshift variants are known to be pathogenic in this gene associated with hereditary breast and ovarian cancer. This variant is predicted to cause loss of normal protein function either through protein truncation or nonsense-mediated mRNA decay. Based on the ACMG recommendations, c.3820_3823delAAGA is interpreted as an expected pathogenic sequence change. The variant is found in ,BRCA2 panel(s).

Literature cited by the submitters: PubMed 20104584 (cited by Labcorp Genetics (formerly Invitae), Labcorp); PubMed 21520333 (cited by Labcorp Genetics (formerly Invitae), Labcorp).

NM_000059.4(BRCA2):c.3820_3823del (p.Phe1273_Lys1274insTer)

Gene: BRCA2 (BRCA2 DNA repair associated; plus strand). Cytogenetic location: 13q13.1.
Variant type: Deletion.
Coding change: c.3820_3823del on transcript NM_000059.4 (MANE Select); coding-DNA positions 3820 to 3823, 4 bases deleted (AAGA; older notation c.3820_3823delAAGA).
Protein change: p.Phe1273_Lys1274insTer.
Molecular consequence: nonsense.
Genome position (GRCh38, 1-based): chr13:32,338,175-32,338,178, AAGA deleted. VCF-style (leftmost placement, unchanged base first): chr13-32338174-TAAGA-T. GRCh37 (hg19) VCF-style: chr13-32912311-TAAGA-T.
Other names: c.3820_3823delAAGA (NM_000059.3).
Identifiers: ClinVar variation 182327 (VCV000182327.20), dbSNP rs730881620, ClinGen allele CA018870.